The following is an entry in ClinVar:

ClinVar aggregate classification (germline): Pathogenic (1 of 4 stars; one submission).

Conditions:
Renal carnitine transport defect (CDSP). Also called: Systemic primary carnitine deficiency disease; Primary carnitine deficiency; Carnitine transporter deficiency; Carnitine Deficiency, Systemic; CARNITINE DEFICIENCY, SYSTEMIC, DUE TO DEFECT IN RENAL REABSORPTION OF CARNITINE; CARNITINE TRANSPORTER, PLASMA-MEMBRANE, DEFICIENCY OF. Identifiers: Orphanet 158, MedGen C0342788, MONDO:0008919, OMIM 212140.

Allele frequency attached by ClinVar (database versions not stated): gnomAD exomes below 0.00001.
gnomAD v4.1: 1 of 1,614,044 alleles (0.000062%); highest among the groups gnomAD compares: Non-Finnish European, 0.000085%; no homozygotes.

Submission:

Labcorp Genetics (formerly Invitae), Labcorp
Classification: Pathogenic for Renal carnitine transport defect. Last evaluated: 2022-10-28. Review status: criteria provided, single submitter. Criteria: Invitae Variant Classification Sherloc (09022015). Collection method: clinical testing. Allele origin: germline.
Comment: For these reasons, this variant has been classified as Pathogenic. Algorithms developed to predict the effect of sequence changes on RNA splicing suggest that this variant may disrupt the consensus splice site. ClinVar contains an entry for this variant (Variation ID: 961892). Disruption of this splice site has been observed in individual(s) with primary carnitine deficiency (PMID: 31737040, 31813139). This variant is present in population databases (rs377724489, gnomAD 0.0009%). This sequence change affects an acceptor splice site in intron 1 of the SLC22A5 gene. It is expected to disrupt RNA splicing. Variants that disrupt the donor or acceptor splice site typically lead to a loss of protein function (PMID: 16199547), and loss-of-function variants in SLC22A5 are known to be pathogenic (PMID: 9916797).

Literature cited by the submitters: PubMed 31737040; PubMed 31813139; PubMed 16199547; PubMed 9916797.

NM_003060.4(SLC22A5):c.394-2A>T

Gene: SLC22A5 (solute carrier family 22 member 5; plus strand). Cytogenetic location: 5q31.1.
Variant type: single nucleotide variant.
Coding change: c.394-2A>T on transcript NM_003060.4 (MANE Select); the canonical splice acceptor site of the intron before coding-DNA position 394, A replaced by T.
Molecular consequence: splice acceptor variant.
Genome position (GRCh38, 1-based): chr5:132,378,376, A>T. VCF-style: chr5-132378376-A-T. GRCh37 (hg19) VCF-style: chr5-131714068-A-T.
Other names: c.466-2A>T (NM_001308122.2).
Identifiers: ClinVar variation 961892 (VCV000961892.8), dbSNP rs377724489, ClinGen allele CA3403882.
Genomic context (GRCh38, chr5:132,378,376, plus strand): 5'-GCCTTTGCTTTAAAACCTTTTAAAAAGAAGTGAATGATACACCCCCTTTGCTCATCTTGC[A>T]GTGGAACCTGGTGTGTGAGGACGACTGGAAGGCCCCACTCACAATCTCCTTGTTCTTCGT-3'